The following is an entry in ClinVar:

NM_000059.4(BRCA2):c.5622dup (p.Lys1875Ter)

Gene: BRCA2 (BRCA2 DNA repair associated; plus strand). Cytogenetic location: 13q13.1.
Variant type: Duplication.
Coding change: c.5622dup on transcript NM_000059.4 (MANE Select); coding-DNA position 5622, one base duplicated (T; older notation c.5622dupT).
Protein change: p.Lys1875Ter; replaces lysine 1875 with a stop codon.
Molecular consequence: nonsense.
Genome position (GRCh38, 1-based): chr13:32,339,977, T duplicated; the last of 2 consecutive T bases (chr13:32,339,976-32,339,977); duplicating either gives the same sequence. VCF-style (leftmost placement, unchanged base first): chr13-32339975-A-AT. GRCh37 (hg19) VCF-style: chr13-32914112-A-AT.
Other names: short protein forms K1875*.
Identifiers: ClinVar variation 1071769 (VCV001071769.11), dbSNP rs2137519233, ClinGen allele CA2499222206.

ClinVar aggregate classification (germline): Pathogenic. Review status: criteria provided, multiple submitters, no conflicts (2 of 4 stars). 2 submissions from 2 submitters: Pathogenic (2). Last evaluated 2024-12-05.

Conditions:
Hereditary breast ovarian cancer syndrome. Also called: Hereditary breast and ovarian cancer syndrome (HBOC); Hereditary breast and/or ovarian cancer syndrome; Hereditary breast and ovarian cancer; Breast and ovarian cancer; Hereditary breast and ovarian cancer syndrome; BRCA1- and BRCA2-Associated Hereditary Breast and Ovarian Cancer. Identifiers: Orphanet 145, MedGen C0677776, MeSH D061325, MONDO:0003582. Disease mechanism: loss of function.
Breast-ovarian cancer, familial, susceptibility to, 2 (BROVCA2). Also called: BRCA2 Hereditary Breast and Ovarian Cancer. Identifiers: Orphanet 145, MedGen C2675520, MONDO:0012933, OMIM 612555. Disease mechanism: loss of function.

Submissions (2):

Myriad Genetics, Inc.
Classification: Pathogenic for Breast-ovarian cancer, familial, susceptibility to, 2. Last evaluated: 2024-12-05. Review status: criteria provided, single submitter. Criteria: Myriad Autosomal Dominant, Autosomal Recessive and X-Linked Classification Criteria (2023). Collection method: clinical testing. Allele origin: unknown.
Comment: This variant is considered pathogenic. This variant creates a termination codon and is predicted to result in premature protein truncation.

Labcorp Genetics (formerly Invitae), Labcorp
Classification: Pathogenic for Hereditary breast ovarian cancer syndrome. Last evaluated: 2024-10-20. Review status: criteria provided, single submitter. Criteria: Invitae Variant Classification Sherloc (09022015). Collection method: clinical testing. Allele origin: germline.
Comment: This sequence change creates a premature translational stop signal (p.Lys1875*) in the BRCA2 gene. It is expected to result in an absent or disrupted protein product. Loss-of-function variants in BRCA2 are known to be pathogenic (PMID: 20104584). This variant is not present in population databases (gnomAD no frequency). This variant has not been reported in the literature in individuals affected with BRCA2-related conditions. ClinVar contains an entry for this variant (Variation ID: 1071769). For these reasons, this variant has been classified as Pathogenic.

Literature cited by the submitters: PubMed 20104584 (cited by Labcorp Genetics (formerly Invitae), Labcorp).